The following is an entry in ClinVar:

ClinVar aggregate classification (germline): Pathogenic/Likely pathogenic. Review status: criteria provided, multiple submitters, no conflicts (2 of 4 stars). 3 submissions from 3 submitters: Pathogenic (1); Likely pathogenic (2). Last evaluated 2026-08-13.

Conditions:
Short-rib thoracic dysplasia 10 with or without polydactyly (SRTD10). Identifiers: Orphanet 474, MedGen C3810175, MONDO:0014284, OMIM 615630.
Bardet-Biedl syndrome 20. Identifiers: MedGen C4310707, MONDO:0023670, OMIM 619471, MONDO:0014926.
Retinitis pigmentosa 71 (RP71). Identifiers: Orphanet 791, MedGen C4225342, MONDO:0014618, OMIM 616394.
IFT172-related disorder. Also called: IFT172-related disorders; IFT172-related condition.

Submissions (3):

PreventionGenetics, part of Exact Sciences
Classification: Likely pathogenic for IFT172-related condition. Last evaluated: 2026-08-13. Review status: criteria provided, single submitter. Criteria: ACMG Guidelines, 2015. Collection method: clinical testing. Allele origin: germline.
Comment: The IFT172 c.2456_2457delTT variant is predicted to result in premature protein termination (p.Phe819*). To our knowledge, this variant has not been reported in the literature in individuals with IFT172-related disorders. This variant is reported in 0.0087% of alleles in individuals of Latino descent in gnomAD. Nonsense variants in IFT172 are expected to be pathogenic. This variant is interpreted as likely pathogenic.

Labcorp Genetics (formerly Invitae), Labcorp
Classification: Pathogenic for Retinitis pigmentosa 71; Short-rib thoracic dysplasia 10 with or without polydactyly. Last evaluated: 2024-05-02. Review status: criteria provided, single submitter. Criteria: Invitae Variant Classification Sherloc (09022015). Collection method: clinical testing. Allele origin: germline.
Comment: This sequence change creates a premature translational stop signal (p.Phe819*) in the IFT172 gene. It is expected to result in an absent or disrupted protein product. Loss-of-function variants in IFT172 are known to be pathogenic (PMID: 24140113). This variant is present in population databases (rs768465966, gnomAD 0.009%). This variant has not been reported in the literature in individuals affected with IFT172-related conditions. For these reasons, this variant has been classified as Pathogenic.

Fulgent Genetics
Classification: Likely pathogenic for Short-rib thoracic dysplasia 10 with or without polydactyly; Retinitis pigmentosa 71; Bardet-Biedl syndrome 20. Last evaluated: 2024-04-10. Review status: criteria provided, single submitter. Criteria: ACMG Guidelines, 2015. Collection method: clinical testing. Allele origin: germline.

Literature cited by the submitters: PubMed 24140113 (cited by Labcorp Genetics (formerly Invitae), Labcorp).

NM_015662.3(IFT172):c.2456_2457del (p.Leu818_Phe819insTer)

Gene: IFT172 (intraflagellar transport 172; minus strand). Cytogenetic location: 2p23.3.
Variant type: Deletion.
Coding change: c.2456_2457del on transcript NM_015662.3 (MANE Select); coding-DNA positions 2456 to 2457, 2 bases deleted (TT; older notation c.2456_2457delTT).
Protein change: p.Leu818_Phe819insTer.
Molecular consequence: nonsense.
Genome position (GRCh38, 1-based): chr2:27,461,079-27,461,080, AA deleted on the plus strand (TT on the coding strand, the reverse complement: IFT172 is on the minus strand); deleting any 2 consecutive bases within chr2:27,461,079-27,461,081 gives the same sequence; the c. name uses the placement nearest the transcript's 3' end. VCF-style (leftmost placement, unchanged base first): chr2-27461078-CAA-C. GRCh37 (hg19) VCF-style: chr2-27683945-CAA-C.
Other names: c.2456_2457delTT (NM_015662.2); c.2390_2391del, p.Leu796_Phe797insTer (NM_001410739.1).
Identifiers: ClinVar variation 3586326 (VCV003586326.4).